The following is an entry in ClinVar:

ClinVar aggregate classification (germline): Uncertain significance (1 of 4 stars; one submission).

Conditions:
MEGF10-related myopathy (CMYO10A). Also called: Congenital myopathy 10A, severe variant. Identifiers: Orphanet 439212, MedGen C3280679, MONDO:0013731, OMIM 614399.

gnomAD v4.1: 2 of 1,612,954 alleles (0.00012%); highest among the groups gnomAD compares: Non-Finnish European, 0.000085%; no homozygotes.

Submission:

Labcorp Genetics (formerly Invitae), Labcorp
Classification: Uncertain significance for MEGF10-related myopathy. Last evaluated: 2020-10-30. Review status: criteria provided, single submitter. Criteria: Invitae Variant Classification Sherloc (09022015). Collection method: clinical testing. Allele origin: germline.
Comment: This variant is not present in population databases (ExAC no frequency). This variant has not been reported in the literature in individuals with MEGF10-related conditions. Algorithms developed to predict the effect of missense changes on protein structure and function (SIFT, PolyPhen-2, Align-GVGD) all suggest that this variant is likely to be disruptive, but these predictions have not been confirmed by published functional studies and their clinical significance is uncertain. In summary, the available evidence is currently insufficient to determine the role of this variant in disease. Therefore, it has been classified as a Variant of Uncertain Significance. This sequence change replaces arginine with cysteine at codon 623 of the MEGF10 protein (p.Arg623Cys). The arginine residue is highly conserved and there is a large physicochemical difference between arginine and cysteine.

NM_001256545.2(MEGF10):c.1867C>T (p.Arg623Cys)

Gene: MEGF10 (multiple EGF like domains 10; plus strand). Cytogenetic location: 5q23.2.
Variant type: single nucleotide variant.
Coding change: c.1867C>T on transcript NM_001256545.2 (MANE Select); coding-DNA position 1867, C replaced by T.
Protein change: p.Arg623Cys; replaces arginine 623 with cysteine.
Molecular consequence: missense variant.
Genome position (GRCh38, 1-based): chr5:127,434,713, C>T. VCF-style: chr5-127434713-C-T. GRCh37 (hg19) VCF-style: chr5-126770405-C-T.
Other names: c.1867C>T, p.Arg623Cys (NM_032446.3); short protein forms R623C.
Identifiers: ClinVar variation 1044405 (VCV001044405.8), dbSNP rs756234600, ClinGen allele CA360732210.